The following is an entry in ClinVar:

NM_004336.5(BUB1):c.1504G>T (p.Ala502Ser)

Gene: BUB1 (BUB1 mitotic checkpoint serine/threonine kinase; minus strand). Cytogenetic location: 2q13.
Variant type: single nucleotide variant.
Coding change: c.1504G>T on transcript NM_004336.5 (MANE Select); coding-DNA position 1504, G replaced by T.
Protein change: p.Ala502Ser; replaces alanine 502 with serine.
Molecular consequence: missense variant.
Genome position (GRCh38, 1-based): chr2:110,658,422, C>A on the plus strand (G>T on the coding strand, the complement: BUB1 is on the minus strand). VCF-style: chr2-110658422-C-A. GRCh37 (hg19) VCF-style: chr2-111415999-C-A.
Other names: c.1444G>T, p.Ala482Ser (NM_001278616.2); c.1504G>T, p.Ala502Ser (NM_001278617.2); short protein forms A502S, A482S.
Identifiers: ClinVar variation 2464684 (VCV002464684.5), dbSNP rs140051751, ClinGen allele CA1828063.

ClinVar aggregate classification (germline): Uncertain significance. Review status: criteria provided, multiple submitters, no conflicts (2 of 4 stars). 2 submissions from 2 submitters: Uncertain significance (2). Last evaluated 2024-03-06.

Allele frequency attached by ClinVar (database versions not stated): gnomAD 0.00006; TOPMed 0.00006; ExAC 0.00007; ESP Exome Variant Server 0.00015.
gnomAD v4.1: 76 of 1,611,820 alleles (0.0047%); highest among the groups gnomAD compares: Non-Finnish European, 0.006%; no homozygotes.

Submissions (2):

Labcorp Genetics (formerly Invitae), Labcorp
Classification: Uncertain significance. Last evaluated: 2024-03-06. Review status: criteria provided, single submitter. Criteria: Invitae Variant Classification Sherloc (09022015). Collection method: clinical testing. Allele origin: germline.
Comment: This sequence change replaces alanine, which is neutral and non-polar, with serine, which is neutral and polar, at codon 502 of the BUB1 protein (p.Ala502Ser). This variant is present in population databases (rs140051751, gnomAD 0.02%). This variant has not been reported in the literature in individuals affected with BUB1-related conditions. ClinVar contains an entry for this variant (Variation ID: 2464684). In summary, the available evidence is currently insufficient to determine the role of this variant in disease. Therefore, it has been classified as a Variant of Uncertain Significance.

Ambry Genetics
Classification: Uncertain significance. Last evaluated: 2023-06-07. Review status: criteria provided, single submitter. Criteria: Ambry Variant Classification Scheme 2023. Collection method: clinical testing. Allele origin: germline.